The following is an entry in ClinVar:

NM_000257.4(MYH7):c.4912G>A (p.Glu1638Lys)

Genes: MHRT (myosin heavy chain associated RNA transcript; plus strand), MYH7 (myosin heavy chain 7; minus strand), LOC126861897 (BRD4-independent group 4 enhancer GRCh37_chr14:23884455-23885654; plus strand). Cytogenetic location: 14q11.2.
Variant type: single nucleotide variant.
Coding change: c.4912G>A on transcript NM_000257.4 (MANE Select); coding-DNA position 4912, G replaced by A.
Protein change: p.Glu1638Lys; replaces glutamic acid 1638 with lysine.
Molecular consequence: missense variant. On other transcripts: non-coding transcript variant (1).
Genome position (GRCh38, 1-based): chr14:23,416,045, C>T on the plus strand (G>A on the coding strand, the complement: MYH7 is on the minus strand). VCF-style: chr14-23416045-C-T. GRCh37 (hg19) VCF-style: chr14-23885254-C-T.
Other names: short protein forms E1638K.
Identifiers: ClinVar variation 926457 (VCV000926457.14), dbSNP rs1238699518, ClinGen allele CA389037370.

ClinVar aggregate classification (germline): Uncertain significance. Review status: criteria provided, multiple submitters, no conflicts (2 of 4 stars). 3 submissions from 3 submitters: Uncertain significance (3). Last evaluated 2025-01-22.

Conditions:
Hypertrophic cardiomyopathy 1 (CMH1). Also called: MYH7-Related Familial Hypertrophic Cardiomyopathy; Familial hypertrophic cardiomyopathy 1. Identifiers: MedGen C3495498, MONDO:0008647, OMIM 192600.
Hypertrophic cardiomyopathy. Also called: HYPERTROPHIC MYOCARDIOPATHY. Identifiers: Orphanet 217569, MedGen C0007194, MeSH D002312, MONDO:0005045, HP:0001639.
Cardiomyopathy (CMYO). Also called: Cardiomyopathies. Identifiers: Orphanet 167848, MedGen C0878544, MONDO:0004994, HP:0001638. Inheritance: Various modes of inheritance.

Allele frequency attached by ClinVar (database versions not stated): gnomAD exomes below 0.00001; TOPMed below 0.00001.
gnomAD v4.1: 4 of 1,614,224 alleles (0.00025%); highest among the groups gnomAD compares: Non-Finnish European, 0.00034%; no homozygotes.

Submissions (3):

3billion
Classification: Uncertain significance for Hypertrophic cardiomyopathy 1. Last evaluated: 2025-01-22. Review status: criteria provided, single submitter. Criteria: ACMG Guidelines, 2015. Collection method: clinical testing. Allele origin: germline. Affected: yes.
Comment: The variant is observed at an extremely low frequency in the gnomAD v4.1.0 dataset (total allele frequency: <0.001%). Predicted Consequence/Location: Missense variant In silico tool predictions suggest damaging effect of the variant on gene or gene product [REVEL: 0.80 (>=0.6, sensitivity 0.68 and specificity 0.92); 3Cnet: 0.94 (>=0.6, sensitivity 0.72 and precision 0.9)]. The same nucleotide change resulting in the same amino acid change has been previously reported to be associated with MYH7-related disorder (PMID: 23283745). However, the evidence of pathogenicity is insufficient at this time. Therefore, this variant is classified as VUS according to the recommendation of ACMG/AMP guideline.

Labcorp Genetics (formerly Invitae), Labcorp
Classification: Uncertain significance for Hypertrophic cardiomyopathy. Last evaluated: 2022-08-06. Review status: criteria provided, single submitter. Criteria: Invitae Variant Classification Sherloc (09022015). Collection method: clinical testing. Allele origin: germline.
Comment: Algorithms developed to predict the effect of missense changes on protein structure and function are either unavailable or do not agree on the potential impact of this missense change (SIFT: "Deleterious"; PolyPhen-2: "Probably Damaging"; Align-GVGD: "Class C0"). ClinVar contains an entry for this variant (Variation ID: 926457). This missense change has been observed in individual(s) with hypertrophic cardiomyopathy (PMID: 23283745). This variant is not present in population databases (gnomAD no frequency). This sequence change replaces glutamic acid, which is acidic and polar, with lysine, which is basic and polar, at codon 1638 of the MYH7 protein (p.Glu1638Lys). In summary, the available evidence is currently insufficient to determine the role of this variant in disease. Therefore, it has been classified as a Variant of Uncertain Significance.

Color Diagnostics, LLC DBA Color Health
Classification: Uncertain significance for Cardiomyopathy. Last evaluated: 2019-08-20. Review status: criteria provided, single submitter. Criteria: ACMG Guidelines, 2015. Collection method: clinical testing. Allele origin: germline.
Comment: This missense variant replaces glutamic acid with lysine at codon 1638 of the MYH7 protein. Computational prediction tools and conservation analyses are inconclusive regarding the impact of this variant on protein structure and function. Splice site prediction tools suggest that this variant may not impact RNA splicing. To our knowledge, functional studies have not been performed for this variant. This variant has been reported in an individual affected with hypertrophic cardiomyopathy (PMID: 23283745). This variant has not been identified in the general population by the Genome Aggregation Database (gnomAD). The available evidence is insufficient to determine the role of this variant in disease conclusively. Therefore, this variant is classified as a Variant of Uncertain Significance.

Literature cited by the submitters: PubMed 23283745 (cited by 3billion and Labcorp Genetics (formerly Invitae), Labcorp).